The following is an entry in ClinVar:

ClinVar aggregate classification (germline): Likely benign (1 of 4 stars; one submission).

Conditions:
CEP164-related disorder. Also called: CEP164-related condition.

Submission:

PreventionGenetics, part of Exact Sciences
Classification: Likely benign for CEP164-related condition. Last evaluated: 2025-06-24. Review status: criteria provided, single submitter. Criteria: ACMG Guidelines, 2015. Collection method: clinical testing. Allele origin: germline.
Comment: This variant is classified as likely benign based on ACMG/AMP sequence variant interpretation guidelines (Richards et al. 2015 PMID: 25741868, with internal and published modifications).

NM_014956.5(CEP164):c.2761-5G>T

Gene: CEP164 (centrosomal protein 164; plus strand). Cytogenetic location: 11q23.3.
Variant type: single nucleotide variant.
Coding change: c.2761-5G>T on transcript NM_014956.5 (MANE Select); 5 bases into the intron before coding-DNA position 2761, G replaced by T.
Molecular consequence: intron variant.
Genome position (GRCh38, 1-based): chr11:117,394,915, G>T. VCF-style: chr11-117394915-G-T. GRCh37 (hg19) VCF-style: chr11-117265631-G-T.
Other names: c.2770-5G>T (NM_001271933.2, NM_001440949.1); c.2602-5G>T (NM_001440972.1); c.2623-5G>T (NM_001440967.1, NM_001440961.1); c.2674-5G>T (NM_001440956.1, NM_001440957.1); c.2761-5G>T (NM_001440950.1, NM_001440953.1, NM_001440951.1); c.2614-5G>T (NM_001440962.1, NM_001440970.1, NM_001440964.1 and 4 more transcripts); c.2404-5G>T (NM_001440990.1, NM_001440984.1); c.2596-5G>T (NM_001440952.1, NM_001440968.1, NM_001440969.1); and 7 more.
Identifiers: ClinVar variation 4998667 (VCV004998667.1).